The following is an entry in ClinVar:

ClinVar aggregate classification (germline): Likely pathogenic (1 of 4 stars; one submission).

Submission:

Labcorp Genetics (formerly Invitae), Labcorp
Classification: Likely pathogenic. Last evaluated: 2020-12-20. Review status: criteria provided, single submitter. Criteria: Invitae Variant Classification Sherloc (09022015). Collection method: clinical testing. Allele origin: germline.
Comment: In summary, the currently available evidence indicates that the variant is pathogenic, but additional data are needed to prove that conclusively. Therefore, this variant has been classified as Likely Pathogenic. Algorithms developed to predict the effect of sequence changes on RNA splicing suggest that this variant may disrupt the consensus splice site, but this prediction has not been confirmed by published transcriptional studies. This variant has not been reported in the literature in individuals with ATP6V1B1-related conditions. This variant is not present in population databases (ExAC no frequency). This sequence change affects a donor splice site in intron 2 of the ATP6V1B1 gene. It is expected to disrupt RNA splicing. Variants that disrupt the donor or acceptor splice site typically lead to a loss of protein function (PMID: 16199547), and loss-of-function variants in ATP6V1B1 are known to be pathogenic (PMID: 9916796, 18368028).

Literature cited by the submitters: PubMed 16199547; PubMed 9916796; PubMed 18368028.

NM_001692.4(ATP6V1B1):c.174+1G>A

Genes: ATP6V1B1 (ATPase H+ transporting V1 subunit B1; plus strand), ATP6V1B1-AS1 (ATP6V1B1 antisense RNA 1; minus strand). Cytogenetic location: 2p13.3.
Variant type: single nucleotide variant.
Coding change: c.174+1G>A on transcript NM_001692.4 (MANE Select); the canonical splice donor site of the intron after coding-DNA position 174, G replaced by A.
Molecular consequence: splice donor variant.
Genome position (GRCh38, 1-based): chr2:70,943,714, G>A. VCF-style: chr2-70943714-G-A. GRCh37 (hg19) VCF-style: chr2-71170844-G-A.
Identifiers: ClinVar variation 1345938 (VCV001345938.8), dbSNP rs2104805055, ClinGen allele CA347178617.
Genomic context (GRCh38, chr2:70,943,714, plus strand): 5'-CCAGCCTACAGGACTGTGTGCAGCGTGAACGGGCCCCTGGTGGTGCTGGACCGGGTCAAG[G>A]TAAGACTCTTCTGCTGCCTCCCTGGCACTAAGGCCAAATCCCAGGGCGCCTCTCCCCTGC-3'